The following is an entry in ClinVar:

NM_004408.4(DNM1):c.44G>A (p.Arg15Gln)

Genes: CIZ1 (CDKN1A interacting zinc finger protein 1; minus strand), DNM1 (dynamin 1; plus strand). Cytogenetic location: 9q34.11.
Variant type: single nucleotide variant.
Coding change: c.44G>A on transcript NM_004408.4 (MANE Select); coding-DNA position 44, G replaced by A.
Protein change: p.Arg15Gln; replaces arginine 15 with glutamine.
Molecular consequence: missense variant. On other transcripts: intron variant (2).
Genome position (GRCh38, 1-based): chr9:128,203,514, G>A. VCF-style: chr9-128203514-G-A. GRCh37 (hg19) VCF-style: chr9-130965793-G-A.
Other names: c.44G>A, p.Arg15Gln (NM_001005336.3, NM_001288737.2, NM_001288738.2 and 2 more transcripts); c.-6+672C>T (NM_001131015.2, NM_012127.3); short protein forms R15Q.
Identifiers: ClinVar variation 476066 (VCV000476066.17), dbSNP rs763288862, ClinGen allele CA5257720.

ClinVar aggregate classification (germline): Conflicting classifications of pathogenicity. Review status: criteria provided, conflicting classifications (1 of 4 stars). 3 submissions from 3 submitters: Uncertain significance (1); Likely benign (2). Last evaluated 2026-01-26.

Conditions:
Developmental and epileptic encephalopathy, 31A. Also called: Epileptic encephalopathy, early infantile, 31; Developmental and epileptic encephalopathy, 31. Identifiers: Orphanet 2382, MedGen C4225357, MONDO:0014598, OMIM 616346.

Allele frequency attached by ClinVar (database versions not stated): TOPMed 0.00003; gnomAD exomes 0.00004 and 0.00026; ExAC 0.00031; gnomAD 0.00001.
gnomAD v4.1: 52 of 1,540,062 alleles (0.0034%); highest among the groups gnomAD compares: Admixed American, 0.093%; no homozygotes.

Submissions (3):

Labcorp Genetics (formerly Invitae), Labcorp
Classification: Likely benign for Developmental and epileptic encephalopathy, 31A. Last evaluated: 2026-01-26. Review status: criteria provided, single submitter. Criteria: Invitae Variant Classification Sherloc (09022015). Collection method: clinical testing. Allele origin: germline.

GeneDx
Classification: Uncertain significance. Last evaluated: 2025-08-18. Review status: criteria provided, single submitter. Criteria: GeneDx Variant Classification Process June 2021. Collection method: clinical testing. Allele origin: germline. Affected: yes.
Comment: In silico analysis suggests that this missense variant does not alter protein structure/function; Has not been previously published as pathogenic or benign to our knowledge

Fulgent Genetics
Classification: Likely benign for Developmental and epileptic encephalopathy, 31A. Last evaluated: 2022-05-19. Review status: criteria provided, single submitter. Criteria: ACMG Guidelines, 2015. Collection method: clinical testing. Allele origin: unknown.